The following is an entry in ClinVar:

NM_001009944.3(PKD1):c.11384G>T (p.Trp3795Leu)

Genes: PKD1 (polycystin 1, transient receptor potential channel interacting; minus strand), PKD1-AS1 (PKD1 antisense RNA 1; plus strand). Cytogenetic location: 16p13.3.
Variant type: single nucleotide variant.
Coding change: c.11384G>T on transcript NM_001009944.3 (MANE Select); coding-DNA position 11384, G replaced by T.
Protein change: p.Trp3795Leu; replaces tryptophan 3795 with leucine.
Molecular consequence: missense variant.
Genome position (GRCh38, 1-based): chr16:2,092,074, C>A on the plus strand (G>T on the coding strand, the complement: PKD1 is on the minus strand). VCF-style: chr16-2092074-C-A. GRCh37 (hg19) VCF-style: chr16-2142075-C-A.
Other names: c.11381G>T, p.Trp3794Leu (NM_000296.4); short protein forms W3794L, W3795L.
Identifiers: ClinVar variation 4292430 (VCV004292430.2).

ClinVar aggregate classification (germline): Uncertain significance. Review status: criteria provided, multiple submitters, no conflicts (2 of 4 stars). 2 submissions from 2 submitters: Uncertain significance (2). Last evaluated 2026-06-30.

Conditions:
Polycystic kidney disease, adult type (PKD1). Also called: Polycystic Kidney, Autosomal Dominant; POLYCYSTIC KIDNEY DISEASE, ADULT, TYPE I; Polycystic Kidney Disease 1, Autosomal Dominant; Polycystic kidney disease 1; Polycystic kidney disease 1, severe; POLYCYSTIC KIDNEY DISEASE 1 WITH OR WITHOUT POLYCYSTIC LIVER DISEASE. Identifiers: MedGen C3149841, MONDO:0008263, OMIM 173900.

Submissions (2):

Women's Health and Genetics/Laboratory Corporation of America, LabCorp
Classification: Uncertain significance. Last evaluated: 2026-06-30. Review status: criteria provided, single submitter. Criteria: LabCorp Variant Classification Summary - May 2015. Collection method: clinical testing. Allele origin: germline.
Comment: Variant summary: PKD1 c.11384G>T (p.Trp3795Leu) results in a non-conservative amino acid change in the encoded protein sequence. Algorithms developed to predict the effect of missense changes on protein structure and function are either unavailable or do not agree on the potential impact of this missense change. The variant was absent in 248844 control chromosomes. The available data on variant occurrences in the general population are insufficient to allow any conclusion about variant significance. To our knowledge, no occurrence of c.11384G>T in individuals affected with PKD1-related conditions and no experimental evidence demonstrating its impact on protein function have been reported. ClinVar contains an entry for this variant (Variation ID: 4292430). Based on the evidence outlined above, the variant was classified as uncertain significance.

3billion
Classification: Uncertain significance for Polycystic kidney disease, adult type. Last evaluated: 2025-03-26. Review status: criteria provided, single submitter. Criteria: ACMG Guidelines, 2015. Collection method: clinical testing. Allele origin: germline. Affected: yes.